The following is an entry in ClinVar:

NM_000169.3(GLA):c.1081G>T (p.Gly361Ter)

Genes: GLA (galactosidase alpha; minus strand), RPL36A-HNRNPH2 (RPL36A-HNRNPH2 readthrough; plus strand). Cytogenetic location: Xq22.1.
Variant type: single nucleotide variant.
Coding change: c.1081G>T on transcript NM_000169.3 (MANE Select); coding-DNA position 1081, G replaced by T.
Protein change: p.Gly361Ter; replaces glycine 361 with a stop codon.
Molecular consequence: nonsense. On other transcripts: non-coding transcript variant (3), intron variant (2).
Genome position (GRCh38, 1-based): chrX:101,398,018, C>A on the plus strand (G>T on the coding strand, the complement: GLA is on the minus strand). VCF-style: chrX-101398018-C-A. GRCh37 (hg19) VCF-style: chrX-100653006-C-A.
Other names: c.1204G>T, p.Gly402Ter (NM_001406747.1); c.300+2561C>A (NM_001199973.2); c.177+6196C>A (NM_001199974.2); short protein forms G361*, G402*.
Identifiers: ClinVar variation 4087193 (VCV004087193.2).
Genomic context (GRCh38, chrX:101,398,018, plus strand): 5'-CAGGATTACAGGCCACTCCTTTACCCAGGGAAGCAACTGCGATGGTATAAGAGCGAGGTC[C>A]ACCAATCTCCTGCCGGTTTATCATAGCTACAGCCCAGGCTAAGCCTGAGAGAGGTCGTTC-3'

ClinVar aggregate classification (germline): Pathogenic (1 of 4 stars; one submission).

Conditions:
Fabry disease. Also called: ALPHA-GALACTOSIDASE A DEFICIENCY; ANDERSON-FABRY DISEASE; CERAMIDE TRIHEXOSIDASE DEFICIENCY; GLA DEFICIENCY; HEREDITARY DYSTOPIC LIPIDOSIS; Angiokeratoma corporis diffusum. Identifiers: Orphanet 324, MedGen C0002986, MONDO:0010526, OMIM 301500, HP:0001071. Disease mechanism: Fabry disease is due to inactivating mutations in the X-linked GLA gene resulting in deficiency of the enzyme Alpha Galactosidase-A., loss of function.

Submission:

Genomenon, Inc
Classification: Pathogenic for Fabry disease. Last evaluated: 2026-09-08. Review status: criteria provided, single submitter. Criteria: Genomenon Sequence Variant Interpretation Standards - Updated. Collection method: curation. Allele origin: germline. Affected: yes.
Comment: GLA p.Gly361Ter (c.1081G>T) is a nonsense variant that introduces a premature stop codon at amino acid position 361 and is predicted to result in a truncated or absent protein product. This variant has been observed in at least one proband with clinical features consistent with Fabry disease (PMID:24055776;37542614). It is absent or not present at a significant frequency in gnomAD. In conclusion, we classify GLA p.Gly361Ter (c.1081G>T) as a pathogenic variant.

Literature cited by the submitters: PubMed 24055776; PubMed 37542614.